The following is an entry in ClinVar:

ClinVar aggregate classification (germline): Likely benign (1 of 4 stars; one submission).

gnomAD v4.1: 117 of 1,595,860 alleles (0.0073%); highest among the groups gnomAD compares: Admixed American, 0.01%; no homozygotes.

Submission:

CeGaT Center for Human Genetics Tuebingen
Classification: Likely benign. Last evaluated: 2026-04-01. Review status: criteria provided, single submitter. Criteria: CeGaT Center For Human Genetics Tuebingen Variant Classification Criteria Version 2. Collection method: clinical testing. Allele origin: germline. Affected: yes. Observed: 1 variant allele.
Comment: KIF26A: BP4, BP7

NM_015656.2(KIF26A):c.519G>A (p.Thr173=)

Gene: KIF26A (kinesin family member 26A; plus strand). Cytogenetic location: 14q32.33.
Variant type: single nucleotide variant.
Coding change: c.519G>A on transcript NM_015656.2 (MANE Select); coding-DNA position 519, G replaced by A.
Protein change: p.Thr173=; no amino-acid change (threonine 173 retained).
Molecular consequence: synonymous variant.
Genome position (GRCh38, 1-based): chr14:104,152,245, G>A. VCF-style: chr14-104152245-G-A. GRCh37 (hg19) VCF-style: chr14-104618582-G-A.
Identifiers: ClinVar variation 4872607 (VCV004872607.2).